The following is an entry in ClinVar:

NM_172107.4(KCNQ2):c.2276A>G (p.Asn759Ser)

Gene: KCNQ2 (potassium voltage-gated channel subfamily Q member 2; minus strand). Cytogenetic location: 20q13.33.
Variant type: single nucleotide variant.
Coding change: c.2276A>G on transcript NM_172107.4 (MANE Select); coding-DNA position 2276, A replaced by G.
Protein change: p.Asn759Ser; replaces asparagine 759 with serine.
Molecular consequence: missense variant.
Genome position (GRCh38, 1-based): chr20:63,406,987, T>C on the plus strand (A>G on the coding strand, the complement: KCNQ2 is on the minus strand). VCF-style: chr20-63406987-T-C. GRCh37 (hg19) VCF-style: chr20-62038340-T-C.
Other names: c.2330A>G, p.Asn777Ser (NM_001382235.1); c.2192A>G, p.Asn731Ser (NM_004518.6); c.2222A>G, p.Asn741Ser (NM_172106.3); c.2183A>G, p.Asn728Ser (NM_172108.5); short protein forms N728S, N731S, N741S, N759S, N777S.
Identifiers: ClinVar variation 3359462 (VCV003359462.3).

ClinVar aggregate classification (germline): Uncertain significance. Review status: criteria provided, multiple submitters, no conflicts (2 of 4 stars). 2 submissions from 2 submitters: Uncertain significance (2). Last evaluated 2026-06-01.

gnomAD v4.1: 1 of 1,523,972 alleles (0.000066%); highest among the groups gnomAD compares: Middle Eastern, 0.017%; no homozygotes.

Submissions (2):

CeGaT Center for Human Genetics Tuebingen
Classification: Uncertain significance. Last evaluated: 2026-06-01. Review status: criteria provided, single submitter. Criteria: CeGaT Center For Human Genetics Tuebingen Variant Classification Criteria Version 2. Collection method: clinical testing. Allele origin: germline. Affected: yes. Observed: 1 variant allele.
Comment: KCNQ2: PM2

GeneDx
Classification: Uncertain significance. Last evaluated: 2023-06-06. Review status: criteria provided, single submitter. Criteria: GeneDx Variant Classification Process June 2021. Collection method: clinical testing. Allele origin: germline. Affected: yes.
Comment: Not observed at significant frequency in large population cohorts (gnomAD); Missense variants in this gene are often considered pathogenic (HGMD); In silico analysis supports that this missense variant does not alter protein structure/function; Has not been previously published as pathogenic or benign to our knowledge; This substitution is predicted to be within the C-terminal cytoplasmic domain